The following is an entry in ClinVar:

ClinVar aggregate classification (germline): Uncertain significance. Review status: criteria provided, multiple submitters, no conflicts (2 of 4 stars). 2 submissions from 2 submitters: Uncertain significance (2). Last evaluated 2026-09-11.

Conditions:
Arrhythmogenic right ventricular dysplasia 10. Also called: Arrhythmogenic Right Ventricular Dysplasia/Cardiomyopathy10; ARRHYTHMOGENIC RIGHT VENTRICULAR DYSPLASIA, FAMILIAL, 10; Arrhythmogenic right ventricular dysplasia/cardiomyopathy, type 10. Identifiers: MedGen C1857777, MONDO:0012434, OMIM 610193.
Cardiovascular phenotype. Identifiers: MedGen CN230736.

Allele frequency attached by ClinVar (database versions not stated): TOPMed 0.00001.

Submissions (2):

Ambry Genetics
Classification: Uncertain significance for Cardiovascular phenotype. Last evaluated: 2026-09-11. Review status: criteria provided, single submitter. Criteria: Ambry Variant Classification Scheme 2023. Collection method: clinical testing. Allele origin: germline.
Comment: The p.T984R variant (also known as c.2951C>G), located in coding exon 15 of the DSG2 gene, results from a C to G substitution at nucleotide position 2951. The threonine at codon 984 is replaced by arginine, an amino acid with similar properties. This amino acid position is conserved. In addition, this alteration is predicted to be tolerated by in silico analysis. Based on the available evidence, the clinical significance of this variant remains unclear.

Labcorp Genetics (formerly Invitae), Labcorp
Classification: Uncertain significance for Arrhythmogenic right ventricular dysplasia 10. Last evaluated: 2025-05-01. Review status: criteria provided, single submitter. Criteria: Invitae Variant Classification Sherloc (09022015). Collection method: clinical testing. Allele origin: germline.
Comment: This sequence change replaces threonine, which is neutral and polar, with arginine, which is basic and polar, at codon 984 of the DSG2 protein (p.Thr984Arg). This variant is not present in population databases (gnomAD no frequency). This variant has not been reported in the literature in individuals affected with DSG2-related conditions. ClinVar contains an entry for this variant (Variation ID: 1963919). Invitae Evidence Modeling of protein sequence and biophysical properties (such as structural, functional, and spatial information, amino acid conservation, physicochemical variation, residue mobility, and thermodynamic stability) indicates that this missense variant is not expected to disrupt DSG2 protein function with a negative predictive value of 95%. In summary, the available evidence is currently insufficient to determine the role of this variant in disease. Therefore, it has been classified as a Variant of Uncertain Significance.

NM_001943.5(DSG2):c.2951C>G (p.Thr984Arg)

Genes: DSG2 (desmoglein 2; plus strand), DSG2-AS1 (DSG2 antisense RNA 1; minus strand). Cytogenetic location: 18q12.1.
Variant type: single nucleotide variant.
Coding change: c.2951C>G on transcript NM_001943.5 (MANE Select); coding-DNA position 2951, C replaced by G.
Protein change: p.Thr984Arg; replaces threonine 984 with arginine.
Molecular consequence: missense variant.
Genome position (GRCh38, 1-based): chr18:31,546,337, C>G. VCF-style: chr18-31546337-C-G. GRCh37 (hg19) VCF-style: chr18-29126300-C-G.
Other names: short protein forms T984R.
Identifiers: ClinVar variation 1963919 (VCV001963919.8), dbSNP rs780327696, ClinGen allele CA402147514.